The following is an entry in ClinVar:

NM_000548.5(TSC2):c.688T>A (p.Cys230Ser)

Gene: TSC2 (TSC complex subunit 2; plus strand). Cytogenetic location: 16p13.3.
Variant type: single nucleotide variant.
Coding change: c.688T>A on transcript NM_000548.5 (MANE Select); coding-DNA position 688, T replaced by A.
Protein change: p.Cys230Ser; replaces cysteine 230 with serine.
Molecular consequence: missense variant.
Genome position (GRCh38, 1-based): chr16:2,056,683, T>A. VCF-style: chr16-2056683-T-A. GRCh37 (hg19) VCF-style: chr16-2106684-T-A.
Other names: c.688T>A, p.Cys230Ser (NM_001077183.3, NM_001114382.3, NM_001363528.2 and 3 more transcripts); c.577T>A, p.Cys193Ser (NM_001318827.2); c.541T>A, p.Cys181Ser (NM_001318829.2); c.88T>A, p.Cys30Ser (NM_001318831.2); c.721T>A, p.Cys241Ser (NM_001318832.2); short protein forms C193S, C241S, C230S, C30S, C181S.
Identifiers: ClinVar variation 937549 (VCV000937549.15), dbSNP rs1043187800, ClinGen allele CA276774772.

ClinVar aggregate classification (germline): Uncertain significance. Review status: criteria provided, multiple submitters, no conflicts (2 of 4 stars). 4 submissions from 4 submitters: Uncertain significance (4). Last evaluated 2025-11-18.

Conditions:
Tuberous sclerosis 2 (TSC2). Identifiers: Orphanet 805, MedGen C1860707, MONDO:0013199, OMIM 613254.
Hereditary cancer-predisposing syndrome. Also called: Tumor predisposition; Hereditary neoplastic syndrome; Neoplastic Syndromes, Hereditary; Hereditary Cancer Syndrome. Identifiers: Orphanet 140162, MedGen C0027672, MeSH D009386, MONDO:0015356.
Tuberous sclerosis syndrome (TSC). Also called: Tuberous sclerosis; Tuberous Sclerosis Complex. Identifiers: Orphanet 805, MedGen C0041341, MONDO:0001734.

Submissions (4):

Ambry Genetics
Classification: Uncertain significance for Hereditary cancer-predisposing syndrome. Last evaluated: 2025-11-18. Review status: criteria provided, single submitter. Criteria: Ambry Variant Classification Scheme 2023. Collection method: clinical testing. Allele origin: germline.
Comment: The p.C230S variant (also known as c.688T>A), located in coding exon 7 of the TSC2 gene, results from a T to A substitution at nucleotide position 688. The cysteine at codon 230 is replaced by serine, an amino acid with dissimilar properties. This amino acid position is conserved. In addition, this alteration is predicted to be deleterious by in silico analysis. Since supporting evidence is limited at this time, the clinical significance of this alteration remains unclear.

Labcorp Genetics (formerly Invitae), Labcorp
Classification: Uncertain significance for Tuberous sclerosis 2. Last evaluated: 2025-11-03. Review status: criteria provided, single submitter. Criteria: Invitae Variant Classification Sherloc (09022015). Collection method: clinical testing. Allele origin: germline.
Comment: This sequence change replaces cysteine, which is neutral and slightly polar, with serine, which is neutral and polar, at codon 230 of the TSC2 protein (p.Cys230Ser). This variant is not present in population databases (gnomAD no frequency). This variant has not been reported in the literature in individuals affected with TSC2-related conditions. ClinVar contains an entry for this variant (Variation ID: 937549). Invitae Evidence Modeling of protein sequence and biophysical properties (such as structural, functional, and spatial information, amino acid conservation, physicochemical variation, residue mobility, and thermodynamic stability) indicates that this missense variant is not expected to disrupt TSC2 protein function with a negative predictive value of 95%. In summary, the available evidence is currently insufficient to determine the role of this variant in disease. Therefore, it has been classified as a Variant of Uncertain Significance.

GeneDx
Classification: Uncertain significance. Last evaluated: 2025-01-15. Review status: criteria provided, single submitter. Criteria: GeneDx Variant Classification Process June 2021. Collection method: clinical testing. Allele origin: germline. Affected: yes.
Comment: Not observed at significant frequency in large population cohorts (gnomAD); In silico analysis supports that this missense variant has a deleterious effect on protein structure/function; Has not been previously published as pathogenic or benign to our knowledge; This variant is associated with the following publications: (PMID: 18466115)

All of Us Research Program, National Institutes of Health
Classification: Uncertain significance for Tuberous sclerosis syndrome. Last evaluated: 2023-02-24. Review status: criteria provided, single submitter. Criteria: ACMG Guidelines, 2015. Collection method: clinical testing. Allele origin: germline. Inheritance: Autosomal dominant inheritance. Observed: 1 variant allele, 1 heterozygote.
Comment: This missense variant replaces cysteine with serine at codon 230 of the TSC2 protein. Computational prediction is inconclusive regarding the impact of this variant on protein structure and function (internally defined REVEL score threshold 0.5 < inconclusive < 0.7, PMID: 27666373). To our knowledge, functional studies have not been reported for this variant. This variant has not been reported in individuals affected with tuberous sclerosis complex in the literature. This variant has not been identified in the general population by the Genome Aggregation Database (gnomAD). The available evidence is insufficient to determine the role of this variant in disease conclusively. Therefore, this variant is classified as a Variant of Uncertain Significance.

This study involves interpretation of variants in research participants for the purpose of population health screening. Participant phenotype was not available at the time of variant classification. Additional details can be found in publication PMID: 35346344, PMCID: PMC8962531